The following is an entry in ClinVar:

ClinVar aggregate classification (germline): Benign/Likely benign. Review status: criteria provided, multiple submitters, no conflicts (2 of 4 stars). 3 submissions from 3 submitters: Benign (1); Likely benign (2). Last evaluated 2024-09-07.

Conditions:
Inborn genetic diseases. Identifiers: MedGen C0950123, MeSH D030342.

Allele frequency attached by ClinVar (database versions not stated): gnomAD exomes 0.00008; ExAC 0.00014; 1000 Genomes Project 30x 0.00016; TOPMed 0.00005; gnomAD 0.00008.
gnomAD v4.1: 130 of 1,613,862 alleles (0.0081%); highest among the groups gnomAD compares: Non-Finnish European, 0.0086%; no homozygotes.

Submissions (3):

Blueprint Genetics
Classification: Likely benign. Last evaluated: 2024-09-07. Review status: criteria provided, single submitter. Criteria: ACMG Guidelines, 2015. Collection method: clinical testing. Allele origin: germline.

Ambry Genetics
Classification: Likely benign for Inborn genetic diseases. Last evaluated: 2023-09-13. Review status: criteria provided, single submitter. Criteria: Ambry Variant Classification Scheme 2023. Collection method: clinical testing. Allele origin: germline.

CeGaT Center for Human Genetics Tuebingen
Classification: Benign. Last evaluated: 2022-07-01. Review status: criteria provided, single submitter. Criteria: CeGaT Center For Human Genetics Tuebingen Variant Classification Criteria Version 2. Collection method: clinical testing. Allele origin: germline. Affected: yes. Observed: 1 variant allele.
Comment: CUX2: BS1, BS2

NM_015267.4(CUX2):c.1796G>A (p.Arg599His)

Gene: CUX2 (cut like homeobox 2; plus strand). Cytogenetic location: 12q24.12.
Variant type: single nucleotide variant.
Coding change: c.1796G>A on transcript NM_015267.4 (MANE Select); coding-DNA position 1796, G replaced by A.
Protein change: p.Arg599His; replaces arginine 599 with histidine.
Molecular consequence: missense variant.
Genome position (GRCh38, 1-based): chr12:111,310,578, G>A. VCF-style: chr12-111310578-G-A. GRCh37 (hg19) VCF-style: chr12-111748382-G-A.
Other names: c.1610G>A, p.Arg537His (NM_001370598.1); short protein forms R537H, R599H.
Identifiers: ClinVar variation 2589177 (VCV002589177.27), dbSNP rs200610249, ClinGen allele CA6788729.
Genomic context (GRCh38, chr12:111,310,578, plus strand): 5'-ACGTGCTGGGGCTGTCGCAGGGCTCGGTCAGCGAGATCCTAGCCCGGCCCAAGCCCTGGC[G>A]CAAGCTCACGGTGAAGGGCAAGGAGCCCTTCATCAAGATGAAGCAGTTCCTGTCGGATGA-3'
Protein context (NP_056082.2, residues 589-609): SEILARPKPW[Arg599His]KLTVKGKEPF